The following is an entry in ClinVar:

NM_032620.4(GTPBP3):c.846del (p.Thr283fs)

Gene: GTPBP3 (GTP binding protein 3, mitochondrial; plus strand). Cytogenetic location: 19p13.11.
Variant type: Deletion.
Coding change: c.846del on transcript NM_032620.4 (MANE Select); coding-DNA position 846, one base deleted (G; older notation c.846delG).
Protein change: p.Thr283fs; shifts the reading frame from threonine 283.
Molecular consequence: frameshift variant.
Genome position (GRCh38, 1-based): chr19:17,339,471, G deleted; the last of 3 consecutive G bases (chr19:17,339,469-17,339,471); deleting any one gives the same sequence. VCF-style (leftmost placement, unchanged base first): chr19-17339468-AG-A. GRCh37 (hg19) VCF-style: chr19-17450277-AG-A.
Other names: c.846del, p.Thr283fs (NM_001128855.3); c.912del, p.Thr305fs (NM_001195422.1); c.942del, p.Thr315fs (NM_133644.4); short protein forms T283fs, T305fs, T315fs.
Identifiers: ClinVar variation 3336677 (VCV003336677.1).

ClinVar aggregate classification (germline): Likely pathogenic (1 of 4 stars; one submission).

Conditions:
Combined oxidative phosphorylation defect type 23. Also called: Combined oxidative phosphorylation deficiency 23. Identifiers: Orphanet 444013, MedGen C5567743, MONDO:0014525, OMIM 616198.

Submission:

Igenomix - Part of Vitrolife Group, Igenomix
Classification: Likely pathogenic for Combined oxidative phosphorylation defect type 23. Review status: criteria provided, single submitter. Criteria: ACMG Guidelines, 2015. Collection method: clinical testing. Allele origin: germline. Inheritance: Autosomal recessive inheritance. Affected: no.
Comment: The GTPBP3 variant (p.Thr283Profs*19) is predicted to result in frameshift and premature truncation of the protein 18 amino acids downstream to codon 283 in the new coding frame (PVS1). This variant is absent in the gnomAD v4.1.0 (PM2). Truncations downstream of this position have been classified as pathogenic. To our knowledge, no experimental evidence demonstrating an impact on protein function has been reported. Based on the evidence outlined above, the variant was classified as likely pathogenic. This variant was detected in the heterozygous state through carrier screening.